The following is an entry in ClinVar:

ClinVar aggregate classification (germline): Likely pathogenic (1 of 4 stars; one submission).

Conditions:
Mucopolysaccharidosis, MPS-II (MPS2). Also called: Hunter Syndrome; IDURONATE 2-SULFATASE DEFICIENCY; Mucopolysaccharidosis Type II; Mucopolysaccharidosis type 2; Attenuated MPS (subtype; formerly known as mild MPS II); Severe MPS II. Identifiers: Orphanet 580, Orphanet 79388, MedGen C0026705, MONDO:0010674, OMIM 309900.

Submission:

Laboratory of Diagnosis and Therapy of Lysosomal Disorders, University of Padova
Classification: Likely pathogenic for Mucopolysaccharidosis, MPS-II. Last evaluated: 2024-06-07. Review status: criteria provided, single submitter. Criteria: ACMG Guidelines, 2015. Collection method: literature only. Allele origin: germline. Affected: yes. Observed: 2 variant alleles.
Comment: Null variant (PVS1_Strong), Absent from controls (or at low frequency) in gnomAD database (PM2_Moderate), Patient’s phenotype or family history highly specific for the disease (PP4_Moderate)

Classification method: ACMG Guidelines [PMID:25741868] with modifications

Literature cited by the submitters: PubMed 9266380; PubMed 16495038.

NM_000202.8(IDS):c.1294_1295dup (p.Arg433fs)

Gene: IDS (iduronate 2-sulfatase; minus strand). Cytogenetic location: Xq28.
Variant type: Microsatellite.
Coding change: c.1294_1295dup on transcript NM_000202.8 (MANE Select); coding-DNA positions 1294 to 1295, 2 bases duplicated (TG; older notation c.1294_1295dupTG).
Protein change: p.Arg433fs; shifts the reading frame from arginine 433.
Molecular consequence: frameshift variant.
Genome position (GRCh38, 1-based): chrX:149,483,104-149,483,105, CA duplicated on the plus strand (TG on the coding strand, the reverse complement: IDS is on the minus strand); duplicating any 2 consecutive bases within chrX:149,483,104-149,483,107 gives the same sequence; the c. name uses the placement nearest the transcript's 3' end. VCF-style (leftmost placement, unchanged base first): chrX-149483103-G-GCA. GRCh37 (hg19) VCF-style: chrX-148564634-G-GCA.
Other names: c.1024_1025dup, p.Arg343fs (NM_001166550.4); short protein forms R343fs, R433fs.
Identifiers: ClinVar variation 3256017 (VCV003256017.2).